The following is an entry in ClinVar:

ClinVar aggregate classification (germline): Uncertain significance (1 of 4 stars; one submission).

Submission:

Labcorp Genetics (formerly Invitae), Labcorp
Classification: Uncertain significance. Last evaluated: 2022-08-24. Review status: criteria provided, single submitter. Criteria: Invitae Variant Classification Sherloc (09022015). Collection method: clinical testing. Allele origin: germline.
Comment: In summary, the available evidence is currently insufficient to determine the role of this variant in disease. Therefore, it has been classified as a Variant of Uncertain Significance. Advanced modeling of protein sequence and biophysical properties (such as structural, functional, and spatial information, amino acid conservation, physicochemical variation, residue mobility, and thermodynamic stability) performed at Invitae indicates that this missense variant is not expected to disrupt COL7A1 protein function. This variant has not been reported in the literature in individuals affected with COL7A1-related conditions. This variant is not present in population databases (gnomAD no frequency). This sequence change replaces proline, which is neutral and non-polar, with serine, which is neutral and polar, at codon 1205 of the COL7A1 protein (p.Pro1205Ser).

NM_000094.4(COL7A1):c.3613C>T (p.Pro1205Ser)

Gene: COL7A1 (collagen type VII alpha 1 chain; minus strand). Cytogenetic location: 3p21.31.
Variant type: single nucleotide variant.
Coding change: c.3613C>T on transcript NM_000094.4 (MANE Select); coding-DNA position 3613, C replaced by T.
Protein change: p.Pro1205Ser; replaces proline 1205 with serine.
Molecular consequence: missense variant.
Genome position (GRCh38, 1-based): chr3:48,586,184, G>A on the plus strand (C>T on the coding strand, the complement: COL7A1 is on the minus strand). VCF-style: chr3-48586184-G-A. GRCh37 (hg19) VCF-style: chr3-48623617-G-A.
Other names: short protein forms P1205S.
Identifiers: ClinVar variation 1946700 (VCV001946700.5), dbSNP rs2531204552, ClinGen allele CA352703430.
Genomic context (GRCh38, chr3:48,586,184, plus strand): 5'-CCTGGTCCAGGCTTGGCCCATCATCCACGGCGAAGAAGGTCTGGACAGAGTCCATACCCG[G>A]CGCCAAGCGACGCAGCTGCTCTGGGTCCGCTCCAGCCATTCCCAACATCACCACATTAAG-3'
Protein context (NP_000085.1, residues 1195-1215): ADPEQLRRLA[Pro1205Ser]GMDSVQTFFA